The following is an entry in ClinVar:

ClinVar aggregate classification (germline): Likely benign (1 of 4 stars; one submission).

Allele frequency attached by ClinVar (database versions not stated): gnomAD exomes below 0.00001; ExAC 0.00001.
gnomAD v4.1: 1 of 1,613,928 alleles (0.000062%); highest among the groups gnomAD compares: Non-Finnish European, 0.000085%; no homozygotes.

Submission:

CeGaT Center for Human Genetics Tuebingen
Classification: Likely benign. Last evaluated: 2023-01-01. Review status: criteria provided, single submitter. Criteria: CeGaT Center For Human Genetics Tuebingen Variant Classification Criteria Version 2. Collection method: clinical testing. Allele origin: germline. Affected: yes. Observed: 1 variant allele.
Comment: COQ8A: BP4, BP7

NM_020247.5(COQ8A):c.1104C>T (p.Ile368=)

Gene: COQ8A (coenzyme Q8A; plus strand). Cytogenetic location: 1q42.13.
Variant type: single nucleotide variant.
Coding change: c.1104C>T on transcript NM_020247.5 (MANE Select); coding-DNA position 1104, C replaced by T.
Protein change: p.Ile368=; no amino-acid change (isoleucine 368 retained).
Molecular consequence: synonymous variant.
Genome position (GRCh38, 1-based): chr1:226,983,575, C>T. VCF-style: chr1-226983575-C-T. GRCh37 (hg19) VCF-style: chr1-227171276-C-T.
Identifiers: ClinVar variation 2639978 (VCV002639978.24), dbSNP rs763545706, ClinGen allele CA1425312.